The following is an entry in ClinVar:

NM_001113226.3(NTNG1):c.1088-13T>A

Gene: NTNG1 (netrin G1; plus strand). Cytogenetic location: 1p13.3.
Variant type: single nucleotide variant.
Coding change: c.1088-13T>A on transcript NM_001113226.3 (MANE Select); 13 bases into the intron before coding-DNA position 1088, T replaced by A.
Molecular consequence: intron variant.
Genome position (GRCh38, 1-based): chr1:107,430,737, T>A. VCF-style: chr1-107430737-T-A. GRCh37 (hg19) VCF-style: chr1-107973359-T-A.
Other names: c.1154-5928T>A (NM_001312688.2); c.1088-13T>A (NM_001372167.1, NM_001372170.1); c.1087+23029T>A (NM_014917.4, NM_001372168.1, NM_001372171.1); c.1213+9594T>A (NM_001372169.1, NM_001113228.3); c.1153+12092T>A (NM_001330665.2); c.1088-5928T>A (NM_001372166.1).
Identifiers: ClinVar variation 930831 (VCV000930831.3), dbSNP rs1675209293, ClinGen allele CA1139656264.

ClinVar aggregate classification (germline): Uncertain significance (1 of 4 stars; one submission).

Submission:

Centre for Mendelian Genomics, University Medical Centre Ljubljana
Classification: Uncertain significance. Last evaluated: 2018-10-12. Review status: criteria provided, single submitter. Criteria: ACMG Guidelines, 2015. Collection method: clinical testing. Allele origin: unknown. Affected: yes.
Comment: This variant was classified as: Uncertain significance. The available evidence on this variant's pathogenicity is insufficient or conflicting. The following ACMG criteria were applied in classifying this variant: PM2.